The following is an entry in ClinVar:

ClinVar aggregate classification (germline): Uncertain significance (1 of 4 stars; one submission).

Conditions:
Multiple congenital anomalies-hypotonia-seizures syndrome 1 (MCAHS1). Also called: GLYCOSYLPHOSPHATIDYLINOSITOL BIOSYNTHESIS DEFECT 3; PIGN-CDG; Congenital disorder of glycosylation due to PIGN deficiency. Identifiers: Orphanet 280633, MedGen C3279775, MONDO:0013563, OMIM 614080.

Allele frequency attached by ClinVar (database versions not stated): gnomAD exomes below 0.00001.
gnomAD v4.1: 5 of 1,603,704 alleles (0.00031%); highest among the groups gnomAD compares: Non-Finnish European, 0.00043%; no homozygotes.

Submission:

Labcorp Genetics (formerly Invitae), Labcorp
Classification: Uncertain significance for Multiple congenital anomalies-hypotonia-seizures syndrome 1. Last evaluated: 2021-05-10. Review status: criteria provided, single submitter. Criteria: Invitae Variant Classification Sherloc (09022015). Collection method: clinical testing. Allele origin: germline.
Comment: This sequence change falls in intron 30 of the PIGN gene. It does not directly change the encoded amino acid sequence of the PIGN protein. It affects a nucleotide within the consensus splice site of the intron. This variant is not present in population databases (ExAC no frequency). This variant has not been reported in the literature in individuals with PIGN-related conditions. Nucleotide substitutions within the consensus splice site are a relatively common cause of aberrant splicing (PMID: 17576681, 9536098). Algorithms developed to predict the effect of sequence changes on RNA splicing suggest that this variant is not likely to affect RNA splicing, but this prediction has not been confirmed by published transcriptional studies. In summary, the available evidence is currently insufficient to determine the role of this variant in disease. Therefore, it has been classified as a Variant of Uncertain Significance.

Literature cited by the submitters: PubMed 17576681; PubMed 9536098.

NM_176787.5(PIGN):c.2672+4T>C

Gene: PIGN (phosphatidylinositol glycan anchor biosynthesis class N; minus strand). Cytogenetic location: 18q21.33.
Variant type: single nucleotide variant.
Coding change: c.2672+4T>C on transcript NM_176787.5 (MANE Select); 4 bases into the intron after coding-DNA position 2672, T replaced by C.
Molecular consequence: intron variant.
Genome position (GRCh38, 1-based): chr18:62,072,669, A>G on the plus strand (T>C on the coding strand, the complement: PIGN is on the minus strand). VCF-style: chr18-62072669-A-G. GRCh37 (hg19) VCF-style: chr18-59739902-A-G.
Other names: c.2672+4T>C (NM_012327.6).
Identifiers: ClinVar variation 1436090 (VCV001436090.1), dbSNP rs2145717253, ClinGen allele CA2573155504.